The following is an entry in ClinVar:

ClinVar aggregate classification (germline): Uncertain significance. Review status: criteria provided, multiple submitters, no conflicts (2 of 4 stars). 2 submissions from 2 submitters: Uncertain significance (2). Last evaluated 2022-07-25.

Conditions:
Eichsfeld type congenital muscular dystrophy (CMYO3). Also called: MYOPATHY, SEPN1-RELATED; Rigid spine muscular dystrophy 1; SELENON-related myopathy; Congenital myopathy 3 with rigid spine. Identifiers: MedGen C0410180, MONDO:0100100, OMIM 602771.

Allele frequency attached by ClinVar (database versions not stated): ExAC 0.00001; gnomAD 0.00001; TOPMed 0.00002; 1000 Genomes Project 30x 0.00016; 1000 Genomes Project 0.00020.
gnomAD v4.1: 14 of 1,613,618 alleles (0.00087%); highest among the groups gnomAD compares: African/African-American, 0.004%; no homozygotes.

Submissions (2):

Labcorp Genetics (formerly Invitae), Labcorp
Classification: Uncertain significance for Eichsfeld type congenital muscular dystrophy. Last evaluated: 2022-07-25. Review status: criteria provided, single submitter. Criteria: Invitae Variant Classification Sherloc (09022015). Collection method: clinical testing. Allele origin: germline.
Comment: This sequence change replaces glycine, which is neutral and non-polar, with serine, which is neutral and polar, at codon 187 of the SELENON protein (p.Gly187Ser). This variant is present in population databases (rs540415870, gnomAD 0.003%). This variant has not been reported in the literature in individuals affected with SELENON-related conditions. Algorithms developed to predict the effect of missense changes on protein structure and function (SIFT, PolyPhen-2, Align-GVGD) all suggest that this variant is likely to be disruptive. In summary, the available evidence is currently insufficient to determine the role of this variant in disease. Therefore, it has been classified as a Variant of Uncertain Significance.

Revvity Omics, Revvity
Classification: Uncertain significance for Eichsfeld type congenital muscular dystrophy. Last evaluated: 2019-12-09. Review status: criteria provided, single submitter. Criteria: ACMG Guidelines, 2015. Collection method: clinical testing. Allele origin: germline.

NM_206926.2(SELENON):c.457G>A (p.Gly153Ser)

Gene: SELENON (selenoprotein N; plus strand). Cytogenetic location: 1p36.11.
Variant type: single nucleotide variant.
Coding change: c.457G>A on transcript NM_206926.2 (MANE Select); coding-DNA position 457, G replaced by A.
Protein change: p.Gly153Ser; replaces glycine 153 with serine.
Molecular consequence: missense variant.
Genome position (GRCh38, 1-based): chr1:25,808,601, G>A. VCF-style: chr1-25808601-G-A. GRCh37 (hg19) VCF-style: chr1-26135092-G-A.
Other names: c.559G>A (NM_020451.2); c.559G>A, p.Gly187Ser (NM_020451.3); short protein forms G187S, G153S.
Identifiers: ClinVar variation 1970518 (VCV001970518.5), dbSNP rs540415870, ClinGen allele CA696565.